The following is an entry in ClinVar:

ClinVar aggregate classification (germline): Uncertain significance (1 of 4 stars; one submission).

gnomAD v4.1: 1 of 1,613,696 alleles (0.000062%); highest among the groups gnomAD compares: Admixed American, 0.0017%; no homozygotes.

Submission:

Labcorp Genetics (formerly Invitae), Labcorp
Classification: Uncertain significance. Last evaluated: 2025-12-11. Review status: criteria provided, single submitter. Criteria: Invitae Variant Classification Sherloc (09022015). Collection method: clinical testing. Allele origin: germline.
Comment: This sequence change replaces glycine, which is neutral and non-polar, with alanine, which is neutral and non-polar, at codon 5514 of the HMCN1 protein (p.Gly5514Ala). This variant also falls at the last nucleotide of exon 106, which is part of the consensus splice site for this exon. This variant is not present in population databases (gnomAD no frequency). This variant has not been reported in the literature in individuals affected with HMCN1-related conditions. An algorithm developed to predict the effect of missense changes on protein structure and function (PolyPhen-2) suggests that this variant is likely to be disruptive. Variants that disrupt the consensus splice site are a relatively common cause of aberrant splicing (PMID: 17576681, 9536098). In summary, the available evidence is currently insufficient to determine the role of this variant in disease. Therefore, it has been classified as a Variant of Uncertain Significance.

Literature cited by the submitters: PubMed 17576681; PubMed 9536098.

NM_031935.3(HMCN1):c.16541G>C (p.Gly5514Ala)

Genes: HMCN1 (hemicentin 1; plus strand), LOC126805953 (P300/CBP strongly-dependent group 1 enhancer GRCh37_chr1:186156636-186157835; plus strand). Cytogenetic location: 1q31.1.
Variant type: single nucleotide variant.
Coding change: c.16541G>C on transcript NM_031935.3 (MANE Select); coding-DNA position 16541, G replaced by C.
Protein change: p.Gly5514Ala; replaces glycine 5514 with alanine.
Molecular consequence: missense variant.
Genome position (GRCh38, 1-based): chr1:186,188,009, G>C. VCF-style: chr1-186188009-G-C. GRCh37 (hg19) VCF-style: chr1-186157141-G-C.
Other names: short protein forms G5514A.
Identifiers: ClinVar variation 4732557 (VCV004732557.1).